The following is an entry in ClinVar:

ClinVar aggregate classification (germline): Uncertain significance (1 of 4 stars; one submission).

Submission:

GeneDx
Classification: Uncertain significance. Last evaluated: 2024-12-12. Review status: criteria provided, single submitter. Criteria: GeneDx Variant Classification Process June 2021. Collection method: clinical testing. Allele origin: germline. Affected: yes.
Comment: Not observed at significant frequency in large population cohorts (gnomAD); In silico analysis supports that this missense variant has a deleterious effect on protein structure/function; Has not been previously published as pathogenic or benign to our knowledge

NM_001385012.1(NBEA):c.1933C>T (p.His645Tyr)

Gene: NBEA (neurobeachin; plus strand). Cytogenetic location: 13q13.3.
Variant type: single nucleotide variant.
Coding change: c.1933C>T on transcript NM_001385012.1 (MANE Select); coding-DNA position 1933, C replaced by T.
Protein change: p.His645Tyr; replaces histidine 645 with tyrosine.
Molecular consequence: missense variant.
Genome position (GRCh38, 1-based): chr13:35,110,909, C>T. VCF-style: chr13-35110909-C-T. GRCh37 (hg19) VCF-style: chr13-35685046-C-T.
Other names: c.1933C>T, p.His645Tyr (NM_001379245.1, NM_015678.5); short protein forms H645Y.
Identifiers: ClinVar variation 3903016 (VCV003903016.1).
Genomic context (GRCh38, chr13:35,110,909, plus strand): 5'-ATTGGAACTGCTACCATCTACACCACCATACGCAGAGTAGGAACAGTATTACAGCTAATG[C>T]ACACCTTAAAATATTACTACTGGGTTATTAATCCTGCTGACAGTAGTGGCATTACACCTA-3'
Protein context (NP_001371941.1, residues 635-655): RRVGTVLQLM[His645Tyr]TLKYYYWVIN